The following is an entry in ClinVar:

ClinVar aggregate classification (germline): Benign/Likely benign. Review status: criteria provided, multiple submitters, no conflicts (2 of 4 stars). 4 submissions from 4 submitters: Benign (1); Likely benign (2). 1 of the submissions does not count toward it. Last evaluated 2026-06-16.

Conditions:
Polyps, multiple and recurrent inflammatory fibroid, gastrointestinal. Identifiers: MedGen C5193005, MONDO:0008285, OMIM 175510.
PDGFRA-related disorder. Also called: PDGFRA-related condition.
Hereditary cancer-predisposing syndrome. Also called: Hereditary neoplastic syndrome; Neoplastic Syndromes, Hereditary; Hereditary Cancer Syndrome; Tumor predisposition. Identifiers: Orphanet 140162, MedGen C0027672, MeSH D009386, MONDO:0015356.
Gastrointestinal stromal tumor. Also called: Gastrointestinal stromal tumor, somatic; Gastrointestinal stroma tumor. Identifiers: Orphanet 44890, MedGen C0238198, MeSH D046152, MONDO:0011719, OMIM 606764, HP:0100723.

Allele frequency attached by ClinVar (database versions not stated): gnomAD 0.00001; TOPMed 0.00001; gnomAD exomes below 0.00001.
gnomAD v4.1: 6 of 1,579,298 alleles (0.00038%); highest among the groups gnomAD compares: Non-Finnish European, 0.00052%; no homozygotes.

Submissions (4):

Myriad Genetics, Inc.
Classification: Benign for Polyps, multiple and recurrent inflammatory fibroid, gastrointestinal. Last evaluated: 2026-06-16. Review status: criteria provided, single submitter. Criteria: Myriad Autosomal Dominant, Autosomal Recessive and X-Linked Classification Criteria (2023). Collection method: clinical testing. Allele origin: unknown.
Comment: This variant is considered benign. This variant is a silent/synonymous amino acid change and it is not expected to impact splicing.

Labcorp Genetics (formerly Invitae), Labcorp
Classification: Likely benign for Gastrointestinal stromal tumor. Last evaluated: 2025-12-10. Review status: criteria provided, single submitter. Criteria: Invitae Variant Classification Sherloc (09022015). Collection method: clinical testing. Allele origin: germline.

Ambry Genetics
Classification: Likely benign for Hereditary cancer-predisposing syndrome. Last evaluated: 2022-07-11. Review status: criteria provided, single submitter. Criteria: Ambry Variant Classification Scheme 2023. Collection method: clinical testing. Allele origin: germline.

PreventionGenetics, part of Exact Sciences
Classification: Likely benign for PDGFRA-related condition. Last evaluated: 2024-06-21. Review status: no assertion criteria provided. Collection method: clinical testing. Allele origin: germline. Not counted in ClinVar's aggregate classification.
Comment: This variant is classified as likely benign based on ACMG/AMP sequence variant interpretation guidelines (Richards et al. 2015 PMID: 25741868, with internal and published modifications).

NM_006206.6(PDGFRA):c.1218T>G (p.Thr406=)

Gene: PDGFRA (platelet derived growth factor receptor alpha; plus strand). Cytogenetic location: 4q12.
Variant type: single nucleotide variant.
Coding change: c.1218T>G on transcript NM_006206.6 (MANE Select); coding-DNA position 1218, T replaced by G.
Protein change: p.Thr406=; no amino-acid change (threonine 406 retained).
Molecular consequence: synonymous variant.
Genome position (GRCh38, 1-based): chr4:54,270,729, T>G. VCF-style: chr4-54270729-T-G. GRCh37 (hg19) VCF-style: chr4-55136896-T-G.
Other names: c.1218T>G, p.Thr406= (NM_001347827.2, NM_001347829.2); c.1293T>G, p.Thr431= (NM_001347828.2); c.1257T>G, p.Thr419= (NM_001347830.2); c.1218T>G (NM_006206.5).
Identifiers: ClinVar variation 528692 (VCV000528692.16), dbSNP rs1424842368, ClinGen allele CA439286871.